The following is an entry in ClinVar:

NM_014489.4(PGAP2):c.770C>T (p.Ser257Leu)

Gene: PGAP2 (post-GPI attachment to proteins 2; plus strand). Cytogenetic location: 11p15.4.
Variant type: single nucleotide variant.
Coding change: c.770C>T on transcript NM_014489.4 (MANE Select); coding-DNA position 770, C replaced by T.
Protein change: p.Ser257Leu; replaces serine 257 with leucine.
Molecular consequence: missense variant. On other transcripts: synonymous variant (8), non-coding transcript variant (15).
Genome position (GRCh38, 1-based): chr11:3,825,081, C>T. VCF-style: chr11-3825081-C-T. GRCh37 (hg19) VCF-style: chr11-3846311-C-T.
Other names: c.575C>T, p.Ser192Leu (NM_001145438.3, NM_001346400.2, NM_001256239.2); c.641C>T, p.Ser214Leu (NM_001256235.2); c.770C>T, p.Ser257Leu (NM_001256236.2); c.666C>T, p.Leu222= (NM_001256237.2, NM_001346404.1); c.587C>T, p.Ser196Leu (NM_001346398.2, NM_001346405.1, NM_001256240.2 and 1 more transcripts); c.597C>T, p.Leu199= (NM_001346399.2); c.585C>T, p.Leu195= (NM_001346401.2); c.707C>T, p.Ser236Leu (NM_001346402.2); and 6 more; short protein forms S192L, S196L, S214L, S236L, S249L, S253L, S247L, S257L.
Identifiers: ClinVar variation 1416302 (VCV001416302.11), dbSNP rs766716423, ClinGen allele CA5829896.

ClinVar aggregate classification (germline): Uncertain significance. Review status: criteria provided, multiple submitters, no conflicts (2 of 4 stars). 3 submissions from 3 submitters: Uncertain significance (3). Last evaluated 2024-10-12.

Conditions:
Hyperphosphatasia with impaired intellectual development syndrome 3. Also called: Hyperphosphatasia with intellectual disability syndrome 3; GLYCOSYLPHOSPHATIDYLINOSITOL BIOSYNTHESIS DEFECT 8. Identifiers: Orphanet 247262, MedGen C3280153, MONDO:0013628, OMIM 614207.
Inborn genetic diseases. Identifiers: MedGen C0950123, MeSH D030342.

Allele frequency attached by ClinVar (database versions not stated): gnomAD exomes 0.00003 and 0.00002; TOPMed 0.00003; ExAC 0.00002; gnomAD 0.00001.
gnomAD v4.1: 36 of 1,614,078 alleles (0.0022%); highest among the groups gnomAD compares: Non-Finnish European, 0.0027%; no homozygotes.

Submissions (4):

Ambry Genetics
Classification: Uncertain significance for Inborn genetic diseases. Last evaluated: 2024-10-12. Review status: criteria provided, single submitter. Criteria: Ambry Variant Classification Scheme 2023. Collection method: clinical testing. Allele origin: germline.

Labcorp Genetics (formerly Invitae), Labcorp
Classification: Uncertain significance. Last evaluated: 2024-02-24. Review status: criteria provided, single submitter. Criteria: Invitae Variant Classification Sherloc (09022015). Collection method: clinical testing. Allele origin: germline.
Comment: This sequence change replaces serine, which is neutral and polar, with leucine, which is neutral and non-polar, at codon 196 of the PGAP2 protein (p.Ser196Leu). This variant is present in population databases (rs766716423, gnomAD 0.006%). This variant has not been reported in the literature in individuals affected with PGAP2-related conditions. ClinVar contains an entry for this variant (Variation ID: 1416302). Advanced modeling of protein sequence and biophysical properties (such as structural, functional, and spatial information, amino acid conservation, physicochemical variation, residue mobility, and thermodynamic stability) performed at Invitae indicates that this missense variant is not expected to disrupt PGAP2 protein function with a negative predictive value of 80%. In summary, the available evidence is currently insufficient to determine the role of this variant in disease. Therefore, it has been classified as a Variant of Uncertain Significance.

Neuberg Centre For Genomic Medicine, NCGM
Classification: Uncertain significance for Hyperphosphatasia with impaired intellectual development syndrome 3. Last evaluated: 2023-05-20. Review status: criteria provided, single submitter. Criteria: ACMG Guidelines, 2015. Collection method: clinical testing. Allele origin: germline. Inheritance: Autosomal recessive inheritance. Affected: yes.
Comment: The missense variant c.770C>T(p.Ser257Leu) in PGAP2 gene has not been reported previously as a pathogenic variant nor as a benign variant, to our knowledge. The observed variant has allele frequency of 0.003% in gnomAD exomes database. This variant has been submitted to the ClinVar database as Uncertain Significance (VUS). The reference amino acid change p.Ser257Leu in PGAP2 is predicted as conserved by GERP++ and PhyloP across 100 vertebrates. The amino acid Ser at position 257 is changed to a Leu changing protein sequence and it might alter its composition and physico-chemical properties. For these reasons, this variant has been classified as Uncertain Significance (VUS).

Dr. Peter K. Rogan Lab, Western University
No classification provided (evidence only). Condition: Cervical cancer. Review status: no classification provided. Collection method: in vitro. Allele origin: not applicable. Functional consequence: skipped exon. Not counted in ClinVar's aggregate classification.